The following is an entry in ClinVar:

ClinVar aggregate classification (germline): Likely benign. Review status: criteria provided, multiple submitters, no conflicts (2 of 4 stars). 3 submissions from 3 submitters: Likely benign (2). 1 of the submissions does not count toward it. Last evaluated 2024-09-29.

Conditions:
PCNT-related disorder. Also called: PCNT-related condition.

Allele frequency attached by ClinVar (database versions not stated): TOPMed 0.00002; gnomAD 0.00003; ExAC 0.00004; gnomAD exomes 0.00004.
gnomAD v4.1: 59 of 1,613,712 alleles (0.0037%); highest among the groups gnomAD compares: South Asian, 0.025%; no homozygotes.

Submissions (3):

Labcorp Genetics (formerly Invitae), Labcorp
Classification: Likely benign. Last evaluated: 2024-09-29. Review status: criteria provided, single submitter. Criteria: Invitae Variant Classification Sherloc (09022015). Collection method: clinical testing. Allele origin: germline.

Blueprint Genetics
Classification: Likely benign. Last evaluated: 2024-04-05. Review status: criteria provided, single submitter. Criteria: ACMG Guidelines, 2015. Collection method: clinical testing. Allele origin: germline.

PreventionGenetics, part of Exact Sciences
Classification: Likely benign for PCNT-related condition. Last evaluated: 2023-02-09. Review status: no assertion criteria provided. Collection method: clinical testing. Allele origin: germline. Not counted in ClinVar's aggregate classification.
Comment: This variant is classified as likely benign based on ACMG/AMP sequence variant interpretation guidelines (Richards et al. 2015 PMID: 25741868, with internal and published modifications).

NM_006031.6(PCNT):c.4845G>A (p.Thr1615=)

Gene: PCNT (pericentrin; plus strand). Cytogenetic location: 21q22.3.
Variant type: single nucleotide variant.
Coding change: c.4845G>A on transcript NM_006031.6 (MANE Select); coding-DNA position 4845, G replaced by A.
Protein change: p.Thr1615=; no amino-acid change (threonine 1615 retained).
Molecular consequence: synonymous variant.
Genome position (GRCh38, 1-based): chr21:46,401,604, G>A. VCF-style: chr21-46401604-G-A. GRCh37 (hg19) VCF-style: chr21-47821518-G-A.
Other names: c.4845G>A (NM_006031.5); c.4491G>A, p.Thr1497= (NM_001315529.2).
Identifiers: ClinVar variation 2723590 (VCV002723590.6), dbSNP rs772210680, ClinGen allele CA10079799.
Genomic context (GRCh38, chr21:46,401,604, plus strand): 5'-TTAATAGGATAAAGAGGTGTTAAAGAAACAGCAGATGAGTAGCTTGCTTCTGGCGTCCAC[G>A]TTGCAGTCTACACTAGATGCAGGCAGATGTCCCGAGCCTCCTTCGGGCAGCCCTCCTGAG-3'
Protein context (NP_006022.3, residues 1605-1625): QQMSSLLLAS[Thr1615=]LQSTLDAGRC